The following is an entry in ClinVar:

NM_000079.4(CHRNA1):c.1055C>T (p.Pro352Leu)

Gene: CHRNA1 (cholinergic receptor nicotinic alpha 1 subunit; minus strand). Cytogenetic location: 2q31.1.
Variant type: single nucleotide variant.
Coding change: c.1055C>T on transcript NM_000079.4 (MANE Select); coding-DNA position 1055, C replaced by T.
Protein change: p.Pro352Leu; replaces proline 352 with leucine.
Molecular consequence: missense variant.
Genome position (GRCh38, 1-based): chr2:174,748,767, G>A on the plus strand (C>T on the coding strand, the complement: CHRNA1 is on the minus strand). VCF-style: chr2-174748767-G-A. GRCh37 (hg19) VCF-style: chr2-175613495-G-A.
Other names: c.1130C>T, p.Pro377Leu (NM_001039523.3); short protein forms P377L, P352L.
Identifiers: ClinVar variation 2805329 (VCV002805329.3), dbSNP rs767099816, ClinGen allele CA349335156.

ClinVar aggregate classification (germline): Uncertain significance (1 of 4 stars; one submission).

Conditions:
Lethal multiple pterygium syndrome (LMPS). Identifiers: Orphanet 33108, MedGen C1854678, MONDO:0009668, OMIM 253290.

Submission:

Labcorp Genetics (formerly Invitae), Labcorp
Classification: Uncertain significance for Lethal multiple pterygium syndrome. Last evaluated: 2023-07-18. Review status: criteria provided, single submitter. Criteria: Invitae Variant Classification Sherloc (09022015). Collection method: clinical testing. Allele origin: germline.
Comment: This sequence change replaces proline, which is neutral and non-polar, with leucine, which is neutral and non-polar, at codon 352 of the CHRNA1 protein (p.Pro352Leu). In summary, the available evidence is currently insufficient to determine the role of this variant in disease. Therefore, it has been classified as a Variant of Uncertain Significance. Advanced modeling of protein sequence and biophysical properties (such as structural, functional, and spatial information, amino acid conservation, physicochemical variation, residue mobility, and thermodynamic stability) performed at Invitae indicates that this missense variant is not expected to disrupt CHRNA1 protein function. This variant has not been reported in the literature in individuals affected with CHRNA1-related conditions. This variant is not present in population databases (gnomAD no frequency).